The following is an entry in ClinVar:

NM_015102.5(NPHP4):c.1503+2dup

Gene: NPHP4 (nephrocystin 4; minus strand). Cytogenetic location: 1p36.31.
Variant type: Duplication.
Coding change: c.1503+2dup on transcript NM_015102.5 (MANE Select); the canonical splice donor site of the intron after coding-DNA position 1503, one base duplicated (T; older notation c.1503+2dupT).
Molecular consequence: splice donor variant. On other transcripts: intron variant (2).
Genome position (GRCh38, 1-based): chr1:5,909,150, A duplicated on the plus strand (T on the coding strand, the reverse complement: NPHP4 is on the minus strand). VCF-style (leftmost placement, unchanged base first): chr1-5909149-T-TA. GRCh37 (hg19) VCF-style: chr1-5969209-T-TA.
Other names: c.76-3367dup (NM_001291594.2); c.76-3370dup (NM_001291593.2).
Identifiers: ClinVar variation 1805219 (VCV001805219.1), dbSNP rs2521715255, ClinGen allele CA2573050722.

ClinVar aggregate classification (germline): Uncertain significance (1 of 4 stars; one submission).

Conditions:
Nephronophthisis 4 (NPHP4). Also called: NEPHRONOPHTHISIS 4, JUVENILE. Identifiers: Orphanet 655, MedGen C1847013, MONDO:0011752, OMIM 606966.

Submission:

Victorian Clinical Genetics Services, Murdoch Childrens Research Institute
Classification: Uncertain significance for Nephronophthisis 4. Last evaluated: 2022-02-02. Review status: criteria provided, single submitter. Criteria: ACMG Guidelines, 2015. Collection method: clinical testing. Allele origin: germline. Inheritance: Autosomal recessive inheritance.
Comment: Based on the classification scheme VCGS_Germline_v1.3.4, this variant is classified as VUS-3B. Following criteria are met: 0102 - Loss of function is a known mechanism of disease in this gene and is associated with nephronophthisis 4, and Senior-Loken syndrome 4 (MIM#606996). (I) 0106 - This gene is associated with autosomal recessive disease. (I) 0212 - Non-canonical splice site variant without proven consequence on splicing (no functional evidence available). (SP) 0219 - This variant is deep intronic in alternative transcripts. However, it is coding in the longest transcript, which is the main transcript reported in the literature (GeneReviews) and ClinVar. (I) 0251 - This variant is heterozygous. (I) 0301 - Variant is absent from gnomAD (both v2 and v3). (SP) 0311 - An alternative nucleotide change at the same splice site is present in gnomAD (v2) (1 heterozygote, 0 homozygotes). (I) 0505 - Abnormal splicing is predicted by in silico tools and affected nucleotide is highly conserved. (SP) 0710 - Another non-canonical splice site variant comparable to the one identified in this case has inconclusive previous evidence for pathogenicity. c.1503+3A>C has been reported as VUS in ClinVar. (I) 0807 - This variant has no previous evidence of pathogenicity. (I) 0905 - No published segregation evidence has been identified for this variant. (I) 1007 - No published functional evidence has been identified for this variant. (I) 1102 - Strong phenotype match for this individual. (SP) 1201 - Heterozygous variant detected, and presumed in trans, with a second pathogenic heterozygous variant (NM_015102.5(NPHP4):c.834_841del; p.(Ala279Aspfs*28)) in a recessive disease. (I) Legend: (SP) - Supporting pathogenic, (I) - Information, (SB) - Supporting benign